The following is an entry in ClinVar:

ClinVar aggregate classification (germline): Uncertain significance (1 of 4 stars; one submission).

Conditions:
Inborn genetic diseases. Identifiers: MedGen C0950123, MeSH D030342.

Submission:

Ambry Genetics
Classification: Uncertain significance for Inborn genetic diseases. Last evaluated: 2026-07-16. Review status: criteria provided, single submitter. Criteria: Ambry Variant Classification Scheme 2023. Collection method: clinical testing. Allele origin: germline.
Comment: The p.V393F variant (also known as c.1177G>T), located in coding exon 10 of the ANKRD26 gene, results from a G to T substitution at nucleotide position 1177. The valine at codon 393 is replaced by phenylalanine, an amino acid with highly similar properties. This amino acid position is conserved. In addition, this alteration is predicted to be tolerated by in silico analysis. Based on the available evidence, the clinical significance of this variant remains unclear.

NM_014915.3(ANKRD26):c.1177G>T (p.Val393Phe)

Gene: ANKRD26 (ankyrin repeat domain 26; minus strand). Cytogenetic location: 10p12.1.
Variant type: single nucleotide variant.
Coding change: c.1177G>T on transcript NM_014915.3 (MANE Select); coding-DNA position 1177, G replaced by T.
Protein change: p.Val393Phe; replaces valine 393 with phenylalanine.
Molecular consequence: missense variant.
Genome position (GRCh38, 1-based): chr10:27,067,187, C>A on the plus strand (G>T on the coding strand, the complement: ANKRD26 is on the minus strand). VCF-style: chr10-27067187-C-A. GRCh37 (hg19) VCF-style: chr10-27356116-C-A.
Other names: c.1177G>T, p.Val393Phe (NM_001256053.2); short protein forms V393F.
Identifiers: ClinVar variation 5023117 (VCV005023117.1).